The following is an entry in ClinVar:

ClinVar aggregate classification (germline): Uncertain significance. Review status: criteria provided, multiple submitters, no conflicts (2 of 4 stars). 2 submissions from 2 submitters: Uncertain significance (2). Last evaluated 2024-11-19.

Conditions:
Inborn genetic diseases. Identifiers: MedGen C0950123, MeSH D030342.

Allele frequency attached by ClinVar (database versions not stated): gnomAD exomes below 0.00001; TOPMed below 0.00001.

Submissions (2):

Labcorp Genetics (formerly Invitae), Labcorp
Classification: Uncertain significance. Last evaluated: 2024-11-19. Review status: criteria provided, single submitter. Criteria: Invitae Variant Classification Sherloc (09022015). Collection method: clinical testing. Allele origin: germline.
Comment: This sequence change replaces valine, which is neutral and non-polar, with methionine, which is neutral and non-polar, at codon 630 of the COMP protein (p.Val630Met). This variant is not present in population databases (gnomAD no frequency). This variant has not been reported in the literature in individuals affected with COMP-related conditions. ClinVar contains an entry for this variant (Variation ID: 2482448). Invitae Evidence Modeling of protein sequence and biophysical properties (such as structural, functional, and spatial information, amino acid conservation, physicochemical variation, residue mobility, and thermodynamic stability) indicates that this missense variant is not expected to disrupt COMP protein function with a negative predictive value of 80%. In summary, the available evidence is currently insufficient to determine the role of this variant in disease. Therefore, it has been classified as a Variant of Uncertain Significance.

Ambry Genetics
Classification: Uncertain significance for Inborn genetic diseases. Last evaluated: 2023-02-08. Review status: criteria provided, single submitter. Criteria: Ambry Variant Classification Scheme 2023. Collection method: clinical testing. Allele origin: germline.

NM_000095.3(COMP):c.1888G>A (p.Val630Met)

Gene: COMP (cartilage oligomeric matrix protein; minus strand). Cytogenetic location: 19p13.11.
Variant type: single nucleotide variant.
Coding change: c.1888G>A on transcript NM_000095.3 (MANE Select); coding-DNA position 1888, G replaced by A.
Protein change: p.Val630Met; replaces valine 630 with methionine.
Molecular consequence: missense variant.
Genome position (GRCh38, 1-based): chr19:18,784,922, C>T on the plus strand (G>A on the coding strand, the complement: COMP is on the minus strand). VCF-style: chr19-18784922-C-T. GRCh37 (hg19) VCF-style: chr19-18895732-C-T.
Other names: short protein forms V630M.
Identifiers: ClinVar variation 2482448 (VCV002482448.4), dbSNP rs2055153736, ClinGen allele CA404877863.